The following is an entry in ClinVar:

NM_001372.4(DNAH9):c.229G>C (p.Gly77Arg)

Gene: DNAH9 (dynein axonemal heavy chain 9; plus strand). Cytogenetic location: 17p12.
Variant type: single nucleotide variant.
Coding change: c.229G>C on transcript NM_001372.4 (MANE Select); coding-DNA position 229, G replaced by C.
Protein change: p.Gly77Arg; replaces glycine 77 with arginine.
Molecular consequence: missense variant.
Genome position (GRCh38, 1-based): chr17:11,598,727, G>C. VCF-style: chr17-11598727-G-C. GRCh37 (hg19) VCF-style: chr17-11502044-G-C.
Other names: short protein forms G77R.
Identifiers: ClinVar variation 3371578 (VCV003371578.1).

ClinVar aggregate classification (germline): Uncertain significance (1 of 4 stars; one submission).

gnomAD v4.1: 2 of 1,388,788 alleles (0.00014%); highest among the groups gnomAD compares: Non-Finnish European, 0.000093%; no homozygotes.

Submission:

GeneDx
Classification: Uncertain significance. Last evaluated: 2024-03-25. Review status: criteria provided, single submitter. Criteria: GeneDx Variant Classification Process June 2021. Collection method: clinical testing. Allele origin: germline. Affected: yes.
Comment: Not observed at significant frequency in large population cohorts (gnomAD); In silico analysis supports that this missense variant does not alter protein structure/function; Has not been previously published as pathogenic or benign to our knowledge